The following is an entry in ClinVar:

NM_001379500.1(COL18A1):c.3373C>A (p.Pro1125Thr)

Genes: COL18A1 (collagen type XVIII alpha 1 chain; plus strand), SLC19A1 (solute carrier family 19 member 1; minus strand). Cytogenetic location: 21q22.3.
Variant type: single nucleotide variant.
Coding change: c.3373C>A on transcript NM_001379500.1 (MANE Select); coding-DNA position 3373, C replaced by A.
Protein change: p.Pro1125Thr; replaces proline 1125 with threonine.
Molecular consequence: missense variant.
Genome position (GRCh38, 1-based): chr21:45,509,479, C>A. VCF-style: chr21-45509479-C-A. GRCh37 (hg19) VCF-style: chr21-46929393-C-A.
Other names: c.3904C>A, p.Pro1302Thr (NM_030582.4); c.4609C>A, p.Pro1537Thr (NM_130444.3); short protein forms P1537T, P1125T, P1302T.
Identifiers: ClinVar variation 1980002 (VCV001980002.1), dbSNP rs764732885, ClinGen allele CA10067871.

ClinVar aggregate classification (germline): Uncertain significance (1 of 4 stars; one submission).

Allele frequency attached by ClinVar (database versions not stated): ExAC 0.00015.
gnomAD v4.1: 37 of 1,527,960 alleles (0.0024%); highest among the groups gnomAD compares: Non-Finnish European, 0.0032%; no homozygotes.

Submission:

Labcorp Genetics (formerly Invitae), Labcorp
Classification: Uncertain significance. Last evaluated: 2022-05-25. Review status: criteria provided, single submitter. Criteria: Invitae Variant Classification Sherloc (09022015). Collection method: clinical testing. Allele origin: germline.
Comment: This sequence change replaces proline, which is neutral and non-polar, with threonine, which is neutral and polar, at codon 1122 of the COL18A1 protein (p.Pro1122Thr). The frequency data for this variant in the population databases is considered unreliable, as metrics indicate poor data quality at this position in the gnomAD database. This variant has not been reported in the literature in individuals affected with COL18A1-related conditions. Experimental studies and prediction algorithms are not available or were not evaluated, and the functional significance of this variant is currently unknown. In summary, the available evidence is currently insufficient to determine the role of this variant in disease. Therefore, it has been classified as a Variant of Uncertain Significance.